The following is an entry in ClinVar:

ClinVar aggregate classification (germline): Uncertain significance (1 of 4 stars; one submission).

Conditions:
Polyhydramnios, megalencephaly, and symptomatic epilepsy (PMSE). Also called: PMSE SYNDROME. Identifiers: Orphanet 500533, MedGen C1970203, MONDO:0012611, OMIM 611087.

Allele frequency attached by ClinVar (database versions not stated): gnomAD exomes 0.00001; gnomAD 0.00003; TOPMed 0.00003.
gnomAD v4.1: 11 of 1,590,340 alleles (0.00069%); highest among the groups gnomAD compares: African/African-American, 0.0027%; no homozygotes.

Submission:

Labcorp Genetics (formerly Invitae), Labcorp
Classification: Uncertain significance for Polyhydramnios, megalencephaly, and symptomatic epilepsy. Last evaluated: 2022-07-06. Review status: criteria provided, single submitter. Criteria: Invitae Variant Classification Sherloc (09022015). Collection method: clinical testing. Allele origin: germline.
Comment: This sequence change replaces arginine, which is basic and polar, with glutamine, which is neutral and polar, at codon 346 of the STRADA protein (p.Arg346Gln). This variant is not present in population databases (gnomAD no frequency). This variant has not been reported in the literature in individuals affected with STRADA-related conditions. ClinVar contains an entry for this variant (Variation ID: 1488928). Algorithms developed to predict the effect of missense changes on protein structure and function are either unavailable or do not agree on the potential impact of this missense change (SIFT: "Tolerated"; PolyPhen-2: "Probably Damaging"; Align-GVGD: "Class C0"). Algorithms developed to predict the effect of sequence changes on RNA splicing suggest that this variant may create or strengthen a splice site. In summary, the available evidence is currently insufficient to determine the role of this variant in disease. Therefore, it has been classified as a Variant of Uncertain Significance.

NM_001003787.4(STRADA):c.1037G>A (p.Arg346Gln)

Gene: STRADA (STE20 related adaptor alpha; minus strand). Cytogenetic location: 17q23.3.
Variant type: single nucleotide variant.
Coding change: c.1037G>A on transcript NM_001003787.4 (MANE Select); coding-DNA position 1037, G replaced by A.
Protein change: p.Arg346Gln; replaces arginine 346 with glutamine.
Molecular consequence: missense variant. On other transcripts: non-coding transcript variant (1), intron variant (6).
Genome position (GRCh38, 1-based): chr17:63,704,404, C>T on the plus strand (G>A on the coding strand, the complement: STRADA is on the minus strand). VCF-style: chr17-63704404-C-T. GRCh37 (hg19) VCF-style: chr17-61781764-C-T.
Other names: c.926G>A, p.Arg309Gln (NM_001003786.3, NM_153335.6); c.863G>A, p.Arg288Gln (NM_001003788.3); c.1013G>A, p.Arg338Gln (NM_001363786.1); c.950G>A, p.Arg317Gln (NM_001363787.1); c.898+28G>A (NM_001363789.1); c.835+28G>A (NM_001363790.1, NM_001363791.1); c.922+28G>A (NM_001165969.2); c.877+28G>A (NM_001165970.2); and 1 more; short protein forms R288Q, R338Q, R309Q, R317Q, R346Q.
Identifiers: ClinVar variation 1488928 (VCV001488928.5), dbSNP rs1216340850, ClinGen allele CA400587147.
Genomic context (GRCh38, chr17:63,704,404, plus strand): 5'-GCATCCGGGTTGCGCTGAAGGCACTGCTCCACAAAGTGGTGGAAGTGGGGGGAGAAGGTT[C>T]GGTGGTAGGGGTGGGAGGGCGAGTCACCGTTGGAGGGCCGGGGGGTGCTGGTGGTCAGGC-3'
Protein context (NP_001003787.1, residues 336-356): NGDSPSHPYH[Arg346Gln]TFSPHFHHFV